The following is an entry in ClinVar:

ClinVar aggregate classification (germline): Uncertain significance. Review status: criteria provided, multiple submitters, no conflicts (2 of 4 stars). 7 submissions from 7 submitters: Uncertain significance (7). Last evaluated 2025-08-21.

Conditions:
Cardiovascular phenotype. Identifiers: MedGen CN230736.
Arrhythmogenic right ventricular dysplasia 9 (ARVD9). Also called: Arrhythmogenic Right Ventricular Dysplasia/Cardiomyopathy 9; ARRHYTHMOGENIC RIGHT VENTRICULAR DYSPLASIA, FAMILIAL, 9. Identifiers: MedGen C1836906, MONDO:0012180, OMIM 609040.
Arrhythmogenic right ventricular cardiomyopathy (ARVD). Also called: Arrhythmogenic Right Ventricular Cardiomyopathy (ARVC); Cardiomyopathy, ARVC; Arrhythmogenic cardiomyopathy; Arrhythmogenic right ventricular dysplasia. Identifiers: Orphanet 247, MedGen C0349788, MeSH D019571, MONDO:0016587. Disease mechanism: loss of function. Inheritance: Various modes of inheritance.
Cardiomyopathy (CMYO). Also called: Cardiomyopathies. Identifiers: Orphanet 167848, MedGen C0878544, MONDO:0004994, HP:0001638. Inheritance: Various modes of inheritance.

Allele frequency attached by ClinVar (database versions not stated): gnomAD 0.00001; gnomAD exomes 0.00001 and 0.00002; ExAC 0.00002; TOPMed 0.00002.
gnomAD v4.1: 7 of 1,613,128 alleles (0.00043%); highest among the groups gnomAD compares: Admixed American, 0.005%; no homozygotes.

Submissions (7):

Ambry Genetics
Classification: Uncertain significance for Cardiovascular phenotype. Last evaluated: 2025-08-21. Review status: criteria provided, single submitter. Criteria: Ambry Variant Classification Scheme 2023. Collection method: clinical testing. Allele origin: germline.

Labcorp Genetics (formerly Invitae), Labcorp
Classification: Uncertain significance for Arrhythmogenic right ventricular dysplasia 9. Last evaluated: 2024-11-04. Review status: criteria provided, single submitter. Criteria: Invitae Variant Classification Sherloc (09022015). Collection method: clinical testing. Allele origin: germline.
Comment: This sequence change replaces proline, which is neutral and non-polar, with leucine, which is neutral and non-polar, at codon 192 of the PKP2 protein (p.Pro192Leu). This variant is present in population databases (rs748566573, gnomAD 0.006%). This variant has not been reported in the literature in individuals affected with PKP2-related conditions. ClinVar contains an entry for this variant (Variation ID: 840604). An algorithm developed to predict the effect of missense changes on protein structure and function (PolyPhen-2) suggests that this variant is likely to be disruptive. In summary, the available evidence is currently insufficient to determine the role of this variant in disease. Therefore, it has been classified as a Variant of Uncertain Significance.

All of Us Research Program, National Institutes of Health
Classification: Uncertain significance for Arrhythmogenic right ventricular cardiomyopathy. Last evaluated: 2024-05-30. Review status: criteria provided, single submitter. Criteria: ACMG Guidelines, 2015. Collection method: clinical testing. Allele origin: germline. Inheritance: Autosomal dominant inheritance. Observed: 11 variant alleles, 11 heterozygotes.
Comment: This missense variant replaces proline with leucine at codon 192 of the PKP2 protein. Computational prediction suggests that this variant may not impact protein structure and function (internally defined REVEL score threshold <= 0.5, PMID: 27666373). To our knowledge, functional studies have not been reported for this variant. This variant has not been reported in individuals affected with cardiovascular disorders in the literature. This variant has been identified in 5/250710 chromosomes in the general population by the Genome Aggregation Database (gnomAD). The available evidence is insufficient to determine the role of this variant in disease conclusively. Therefore, this variant is classified as a Variant of Uncertain Significance.

This study involves interpretation of variants in research participants for the purpose of population health screening. Participant phenotype was not available at the time of variant classification. Additional details can be found in publication PMID: 35346344, PMCID: PMC8962531

Color Diagnostics, LLC DBA Color Health
Classification: Uncertain significance for Cardiomyopathy. Last evaluated: 2024-04-05. Review status: criteria provided, single submitter. Criteria: ACMG Guidelines, 2015. Collection method: clinical testing. Allele origin: germline.
Comment: This missense variant replaces proline with leucine at codon 192 of the PKP2 protein. Computational prediction suggests that this variant may not impact protein structure and function (internally defined REVEL score threshold <= 0.5, PMID: 27666373). To our knowledge, functional studies have not been reported for this variant. This variant has not been reported in individuals affected with PKP2-related disorders in the literature. This variant has been identified in 5/250710 chromosomes in the general population by the Genome Aggregation Database (gnomAD). The available evidence is insufficient to determine the role of this variant in disease conclusively. Therefore, this variant is classified as a Variant of Uncertain Significance.

Blueprint Genetics
Classification: Uncertain significance. Last evaluated: 2023-07-06. Review status: criteria provided, single submitter. Criteria: ACMG Guidelines, 2015. Collection method: clinical testing. Allele origin: germline.

GeneDx
Classification: Uncertain significance. Last evaluated: 2023-01-23. Review status: criteria provided, single submitter. Criteria: GeneDx Variant Classification Process June 2021. Collection method: clinical testing. Allele origin: germline. Affected: yes.
Comment: Not observed at significant frequency in large population cohorts (gnomAD); In silico analysis supports that this missense variant has a deleterious effect on protein structure/function; Has not been previously published as pathogenic or benign to our knowledge

Neuberg Centre For Genomic Medicine, NCGM
Classification: Uncertain significance for Arrhythmogenic right ventricular dysplasia 9. Review status: criteria provided, single submitter. Criteria: ACMG Guidelines, 2015. Collection method: clinical testing. Allele origin: germline. Inheritance: Autosomal dominant inheritance. Affected: yes.
Comment: The observed missense c.575C>T (p.Pro192Leu) variant in PKP2 gene has not been reported previously as a pathogenic variant nor as a benign variant, to our knowledge. The p.Pro192Leu variant is present with allele frequency of 0.002% in gnomAD Exomes. This variant has been submitted to the ClinVar database as Uncertain Significance. Computational evidence (Polyphen - Probably damaging, SIFT - Tolerated and MutationTaster - Polymorphism) predicts conflicting evidence on protein structure and function for this variant. The reference amino acid of p.Pro192Leu in PKP2 is predicted as conserved by GERP++ and PhyloP across 100 vertebrates. The amino acid Pro at position 192 is changed to a Leu changing protein sequence and it might alter its composition and physico-chemical properties. For these reasons, this variant has been classified as a Variant of Uncertain Significance (VUS).

NM_001005242.3(PKP2):c.575C>T (p.Pro192Leu)

Gene: PKP2 (plakophilin 2; minus strand). Cytogenetic location: 12p11.21.
Variant type: single nucleotide variant.
Coding change: c.575C>T on transcript NM_001005242.3 (MANE Select); coding-DNA position 575, C replaced by T.
Protein change: p.Pro192Leu; replaces proline 192 with leucine.
Molecular consequence: missense variant.
Genome position (GRCh38, 1-based): chr12:32,878,305, G>A on the plus strand (C>T on the coding strand, the complement: PKP2 is on the minus strand). VCF-style: chr12-32878305-G-A. GRCh37 (hg19) VCF-style: chr12-33031239-G-A.
Other names: c.575C>T, p.Pro192Leu (NM_004572.4); short protein forms P192L.
Identifiers: ClinVar variation 840604 (VCV000840604.20), dbSNP rs748566573, ClinGen allele CA038041.